The following is an entry in ClinVar:

NM_001267550.2(TTN):c.70476C>A (p.Cys23492Ter)

Genes: TTN (titin; minus strand), TTN-AS1 (TTN antisense RNA 1; plus strand), LOC126806422 (BRD4-independent group 4 enhancer GRCh37_chr2:179440205-179441404; plus strand). Cytogenetic location: 2q31.2.
Variant type: single nucleotide variant.
Coding change: c.70476C>A on transcript NM_001267550.2 (MANE Select); coding-DNA position 70476, C replaced by A.
Protein change: p.Cys23492Ter; replaces cysteine 23492 with a stop codon.
Molecular consequence: nonsense.
Genome position (GRCh38, 1-based): chr2:178,575,656, G>T on the plus strand (C>A on the coding strand, the complement: TTN is on the minus strand). VCF-style: chr2-178575656-G-T. GRCh37 (hg19) VCF-style: chr2-179440383-G-T.
Other names: c.65553C>A, p.Cys21851Ter (NM_001256850.1); c.43281C>A, p.Cys14427Ter (NM_003319.4); c.62772C>A, p.Cys20924Ter (NM_133378.4); c.43656C>A, p.Cys14552Ter (NM_133432.3); c.43857C>A, p.Cys14619Ter (NM_133437.4); short protein forms C14427*, C14552*, C14619*, C20924*, C21851*, C23492*.
Identifiers: ClinVar variation 3338354 (VCV003338354.1).

ClinVar aggregate classification (germline): Likely pathogenic (1 of 4 stars; one submission).

Conditions:
Primary dilated cardiomyopathy (DCM). Also called: Dilated Cardiomyopathy. Identifiers: Orphanet 217604, MedGen C0007193, MeSH D002311, MONDO:0005021, HP:0001644. Inheritance: Various modes of inheritance.

Submission:

Lildballe Lab, Aarhus University Hospital
Classification: Likely pathogenic for dilated cardiomyopathy. Last evaluated: 2024-03-01. Review status: criteria provided, single submitter. Criteria: ACMG Guidelines, 2015. Collection method: research. Allele origin: germline. Affected: yes.
Comment: PVS1(vs), PM2(sup)

Literature cited by the submitters: PubMed 25741935; PubMed 39481677.